The following is an entry in ClinVar:

NM_022436.3(ABCG5):c.634+3A>G

Genes: ABCG5 (ATP binding cassette subfamily G member 5; minus strand), DYNC2LI1 (dynein cytoplasmic 2 light intermediate chain 1; plus strand). Cytogenetic location: 2p21.
Variant type: single nucleotide variant.
Coding change: c.634+3A>G on transcript NM_022436.3 (MANE Select); 3 bases into the intron after coding-DNA position 634, A replaced by G.
Molecular consequence: intron variant. On other transcripts: 3 prime UTR variant (2).
Genome position (GRCh38, 1-based): chr2:43,827,980, T>C on the plus strand (A>G on the coding strand, the complement: ABCG5 is on the minus strand). VCF-style: chr2-43827980-T-C. GRCh37 (hg19) VCF-style: chr2-44055119-T-C.
Other names: c.*610T>C (NM_001348912.2, NM_001348913.2).
Identifiers: ClinVar variation 598045 (VCV000598045.16), dbSNP rs374755597, ClinGen allele CA1636583.

ClinVar aggregate classification (germline): Uncertain significance. Review status: criteria provided, multiple submitters, no conflicts (2 of 4 stars). 3 submissions from 3 submitters: Uncertain significance (3). Last evaluated 2024-11-18.

Conditions:
Sitosterolemia (STSL). Also called: PHYTOSTEROLEMIA. Identifiers: Orphanet 2882, MedGen C0342907, MONDO:0008863.

Allele frequency attached by ClinVar (database versions not stated): ESP Exome Variant Server 0.00023; gnomAD 0.00024 and 0.00026; gnomAD exomes 0.00007; ExAC 0.00008; TOPMed 0.00028.
gnomAD v4.1: 60 of 1,613,888 alleles (0.0037%); highest among the groups gnomAD compares: African/African-American, 0.071%; no homozygotes.

Submissions (3):

Labcorp Genetics (formerly Invitae), Labcorp
Classification: Uncertain significance for Sitosterolemia. Last evaluated: 2024-11-18. Review status: criteria provided, single submitter. Criteria: Invitae Variant Classification Sherloc (09022015). Collection method: clinical testing. Allele origin: germline.
Comment: This sequence change falls in intron 5 of the ABCG5 gene. It does not directly change the encoded amino acid sequence of the ABCG5 protein. It affects a nucleotide within the consensus splice site. This variant is present in population databases (rs374755597, gnomAD 0.09%). This variant has not been reported in the literature in individuals affected with ABCG5-related conditions. ClinVar contains an entry for this variant (Variation ID: 598045). Variants that disrupt the consensus splice site are a relatively common cause of aberrant splicing (PMID: 17576681, 9536098). Algorithms developed to predict the effect of sequence changes on RNA splicing suggest that this variant is not likely to affect RNA splicing. In summary, the available evidence is currently insufficient to determine the role of this variant in disease. Therefore, it has been classified as a Variant of Uncertain Significance.

Mayo Clinic Laboratories, Mayo Clinic
Classification: Uncertain significance. Last evaluated: 2021-05-21. Review status: criteria provided, single submitter. Criteria: ACMG Guidelines, 2015. Collection method: clinical testing. Allele origin: germline.

Eurofins Ntd Llc (ga)
Classification: Uncertain significance. Last evaluated: 2018-07-18. Review status: criteria provided, single submitter. Criteria: EGL ClinVar v180209 classification definitions. Collection method: clinical testing. Allele origin: germline. Observed: 1 variant allele, 1 heterozygote.

Literature cited by the submitters: PubMed 17576681 (cited by Labcorp Genetics (formerly Invitae), Labcorp); PubMed 9536098 (cited by Labcorp Genetics (formerly Invitae), Labcorp).